The following is an entry in ClinVar:

ClinVar aggregate classification (germline): Uncertain significance (1 of 4 stars; one submission).

Conditions:
Dilated cardiomyopathy 1G (CMD1G). Identifiers: Orphanet 154, MedGen C1858763, MONDO:0011400, OMIM 604145.
Autosomal recessive limb-girdle muscular dystrophy type 2J (LGMDR10). Also called: Limb-girdle muscular dystrophy, type 2J; MUSCULAR DYSTROPHY, LIMB-GIRDLE, AUTOSOMAL RECESSIVE 10. Identifiers: Orphanet 140922, MedGen C1837342, MONDO:0012127, OMIM 608807.

Submission:

Labcorp Genetics (formerly Invitae), Labcorp
Classification: Uncertain significance for Dilated cardiomyopathy 1G; Autosomal recessive limb-girdle muscular dystrophy type 2J. Last evaluated: 2022-11-22. Review status: criteria provided, single submitter. Criteria: Invitae Variant Classification Sherloc (09022015). Collection method: clinical testing. Allele origin: germline.
Comment: In summary, the available evidence is currently insufficient to determine the role of this variant in disease. Therefore, it has been classified as a Variant of Uncertain Significance. This variant is located in the I band of TTN (PMID: 25589632). Variants in this region may be clinically relevant, but have not been definitively shown to cause cardiomyopathy or neuromuscular disease (PMID: 27493940, 32778822). Variants that disrupt the consensus splice site are a relatively common cause of aberrant splicing (PMID: 17576681, 9536098). Algorithms developed to predict the effect of sequence changes on RNA splicing suggest that this variant may disrupt the consensus splice site. This variant has not been reported in the literature in individuals affected with TTN-related conditions. This variant is not present in population databases (gnomAD no frequency). This sequence change falls in intron 225 of the TTN gene. It does not directly change the encoded amino acid sequence of the TTN protein. It affects a nucleotide within the consensus splice site.

Literature cited by the submitters: PubMed 25589632; PubMed 27493940; PubMed 32778822; PubMed 17576681; PubMed 9536098.

NM_001267550.2(TTN):c.41329+2dup

Gene: TTN (titin; minus strand). Cytogenetic location: 2q31.2.
Variant type: Duplication.
Coding change: c.41329+2dup on transcript NM_001267550.2 (MANE Select); the canonical splice donor site of the intron after coding-DNA position 41329, one base duplicated (T; older notation c.41329+2dupT).
Molecular consequence: splice donor variant.
Genome position (GRCh38, 1-based): chr2:178,636,396, A duplicated on the plus strand (T on the coding strand, the reverse complement: TTN is on the minus strand). VCF-style (leftmost placement, unchanged base first): chr2-178636395-T-TA. GRCh37 (hg19) VCF-style: chr2-179501122-T-TA.
Other names: c.14134+2dup (NM_003319.4); c.14710+2dup (NM_133437.4); c.14509+2dup (NM_133432.3); c.33625+2dup (NM_133378.4); c.36406+2dup (NM_001256850.1).
Identifiers: ClinVar variation 2009956 (VCV002009956.4), dbSNP rs2471627543, ClinGen allele CA2580064998.
Genomic context (GRCh38, chr2:178,636,395, plus strand): 5'-TTGCTACTAAGGTTTGTTACATTAAAGTTTAATATAGATTATGTTCAGAAGACTAGAAAT[T>TA]ACCTTCTACAACAAGTTTAGCCGTGGAGGTCTTTTCTTTGTTTCCCAAACGTAAAACACA-3'